The following is an entry in ClinVar:

ClinVar aggregate classification (germline): Uncertain significance. Review status: criteria provided, multiple submitters, no conflicts (2 of 4 stars). 2 submissions from 2 submitters: Uncertain significance (2). Last evaluated 2025-04-18.

Conditions:
Duchenne muscular dystrophy (DMD). Also called: MUSCULAR DYSTROPHY, PSEUDOHYPERTROPHIC PROGRESSIVE, DUCHENNE TYPE; Duchenne Muscular Dystrophy (DMD). Identifiers: Orphanet 98896, MedGen C0013264, MONDO:0010679, OMIM 310200.

Allele frequency attached by ClinVar (database versions not stated): TOPMed 0.00001; ExAC 0.00001.

Submissions (2):

Dasa
Classification: Uncertain significance. Last evaluated: 2025-04-18. Review status: criteria provided, single submitter. Criteria: DASA Assertion Criteria. Collection method: clinical testing. Allele origin: germline.
Comment: NM_004006.3(DMD):c.9563+5G>A is a splice-region variant predicted to affect normal RNA splicing. This variant affects a splice-region context with prior evidence supporting clinical relevance. Published studies describe this variant in association with related phenotype (PMID: 23536893; PMID: 26365034). Also, this variant is absent from population databases. Computational prediction algorithms are consistent with a deleterious effect. The currently available literature and clinical evidence are not sufficient to establish a definitive association between this variant and the reported condition. Therefore, this variant is classified as a variant of uncertain significance.

Labcorp Genetics (formerly Invitae), Labcorp
Classification: Uncertain significance for Duchenne muscular dystrophy. Last evaluated: 2022-05-23. Review status: criteria provided, single submitter. Criteria: Invitae Variant Classification Sherloc (09022015). Collection method: clinical testing. Allele origin: germline.
Comment: In summary, the available evidence is currently insufficient to determine the role of this variant in disease. Therefore, it has been classified as a Variant of Uncertain Significance. Variants that disrupt the consensus splice site are a relatively common cause of aberrant splicing (PMID: 17576681, 9536098). Algorithms developed to predict the effect of sequence changes on RNA splicing suggest that this variant may disrupt the consensus splice site. This variant has not been reported in the literature in individuals affected with DMD-related conditions. This variant is not present in population databases (gnomAD no frequency). This sequence change falls in intron 65 of the DMD gene. It does not directly change the encoded amino acid sequence of the DMD protein. It affects a nucleotide within the consensus splice site.

Literature cited by the submitters: PubMed 23536893 (cited by Dasa); PubMed 26365034 (cited by Dasa); PubMed 17576681 (cited by Labcorp Genetics (formerly Invitae), Labcorp); PubMed 9536098 (cited by Labcorp Genetics (formerly Invitae), Labcorp).

NM_004006.3(DMD):c.9563+5G>A

Gene: DMD (dystrophin; minus strand). Cytogenetic location: Xp21.2.
Variant type: single nucleotide variant.
Coding change: c.9563+5G>A on transcript NM_004006.3 (MANE Select); 5 bases into the intron after coding-DNA position 9563, G replaced by A.
Molecular consequence: intron variant.
Genome position (GRCh38, 1-based): chrX:31,209,493, C>T on the plus strand (G>A on the coding strand, the complement: DMD is on the minus strand). VCF-style: chrX-31209493-C-T. GRCh37 (hg19) VCF-style: chrX-31227610-C-T.
Other names: c.9539+5G>A (NM_000109.4); c.5540+5G>A (NM_004011.4); c.5531+5G>A (NM_004012.4); c.2183+5G>A (NM_004023.3, NM_004020.4, NM_004022.3 and 2 more transcripts); c.1376+5G>A (NM_004014.3); c.359+5G>A (NM_004018.3, NM_004017.3, NM_004016.3 and 2 more transcripts); c.9551+5G>A (NM_004009.3); c.9194+5G>A (NM_004010.3).
Identifiers: ClinVar variation 2418570 (VCV002418570.9), dbSNP rs764119686, ClinGen allele CA10377791.
Genomic context (GRCh38, chrX:31,209,493, plus strand): 5'-TTCACCATTCTGTACGCTAAGCCTCCTGTGACAGAGCCCGGGAAATAAAAACATGCCATA[C>T]GTACGTATCATAAACATTCAGCAGCCAGTTCAGACACATATCCACGCAGAGAGGGACGTT-3'